The following is an entry in ClinVar:

NM_032237.5(POMK):c.222C>G (p.Cys74Trp)

Gene: POMK (protein O-mannose kinase; plus strand). Cytogenetic location: 8p11.21.
Variant type: single nucleotide variant.
Coding change: c.222C>G on transcript NM_032237.5 (MANE Select); coding-DNA position 222, C replaced by G.
Protein change: p.Cys74Trp; replaces cysteine 74 with tryptophan.
Molecular consequence: missense variant.
Genome position (GRCh38, 1-based): chr8:43,103,770, C>G. VCF-style: chr8-43103770-C-G. GRCh37 (hg19) VCF-style: chr8-42958913-C-G.
Other names: c.222C>G, p.Cys74Trp (NM_001277971.2); short protein forms C74W.
Identifiers: ClinVar variation 2050019 (VCV002050019.4), dbSNP rs147680806, ClinGen allele CA371117675.
Genomic context (GRCh38, chr8:43,103,770, plus strand): 5'-CTGTCCCTATGGTCACTTCAGGATAGGACAGATGAAAAACTGCTCACCTTGGCTGTCCTG[C>G]GAGGAGCTGAGAACAGAAGTGAGACAGCTGAAGCGTGTTGGGGAAGGAGCTGTAAAGAGA-3'
Protein context (NP_115613.1, residues 64-84): QMKNCSPWLS[Cys74Trp]EELRTEVRQL

ClinVar aggregate classification (germline): Uncertain significance (1 of 4 stars; one submission).

Conditions:
Muscular dystrophy-dystroglycanopathy (congenital with brain and eye anomalies), type a, 12 (MDDGA12). Also called: WALKER-WARBURG SYNDROME OR MUSCLE-EYE-BRAIN DISEASE, POMK-RELATED. Identifiers: Orphanet 899, MedGen C3808964, MONDO:0014101, OMIM 615249.
Limb-girdle muscular dystrophy due to POMK deficiency. Also called: MUSCULAR DYSTROPHY-DYSTROGLYCANOPATHY, LIMB-GIRDLE, POMK-RELATED; Muscular dystrophy-dystroglycanopathy (limb-girdle), type c, 12. Identifiers: Orphanet 445110, MedGen C4015184, MONDO:0014489, OMIM 616094.

Submission:

Labcorp Genetics (formerly Invitae), Labcorp
Classification: Uncertain significance for Muscular dystrophy-dystroglycanopathy (congenital with brain and eye anomalies), type a, 12; Limb-girdle muscular dystrophy due to POMK deficiency. Last evaluated: 2022-01-19. Review status: criteria provided, single submitter. Criteria: Invitae Variant Classification Sherloc (09022015). Collection method: clinical testing. Allele origin: germline.
Comment: In summary, the available evidence is currently insufficient to determine the role of this variant in disease. Therefore, it has been classified as a Variant of Uncertain Significance. This sequence change replaces cysteine, which is neutral and slightly polar, with tryptophan, which is neutral and slightly polar, at codon 74 of the POMK protein (p.Cys74Trp). This variant is present in population databases (no rsID available, gnomAD 0.01%). This variant has not been reported in the literature in individuals affected with POMK-related conditions. Algorithms developed to predict the effect of missense changes on protein structure and function (SIFT, PolyPhen-2, Align-GVGD) all suggest that this variant is likely to be disruptive.